The following is an entry in ClinVar:

ClinVar aggregate classification (germline): Likely pathogenic (1 of 4 stars; one submission).

Conditions:
Dilated cardiomyopathy 1G (CMD1G). Identifiers: Orphanet 154, MedGen C1858763, MONDO:0011400, OMIM 604145.
Autosomal recessive limb-girdle muscular dystrophy type 2J (LGMDR10). Also called: Limb-girdle muscular dystrophy, type 2J; MUSCULAR DYSTROPHY, LIMB-GIRDLE, AUTOSOMAL RECESSIVE 10. Identifiers: Orphanet 140922, MedGen C1837342, MONDO:0012127, OMIM 608807.

Submission:

Labcorp Genetics (formerly Invitae), Labcorp
Classification: Likely pathogenic for Dilated cardiomyopathy 1G; Autosomal recessive limb-girdle muscular dystrophy type 2J. Last evaluated: 2024-09-01. Review status: criteria provided, single submitter. Criteria: Invitae Variant Classification Sherloc (09022015). Collection method: clinical testing. Allele origin: germline.
Comment: This sequence change creates a premature translational stop signal (p.Val28994Serfs*17) in the TTN gene. While this is not anticipated to result in nonsense mediated decay, it is expected to create a truncated TTN protein. This variant is not present in population databases (gnomAD no frequency). This variant has not been reported in the literature in individuals affected with TTN-related conditions. This variant is located in the A band of TTN (PMID: 25589632). Truncating variants in this region are significantly overrepresented in patients affected with dilated cardiomyopathy (PMID: 25589632). Truncating variants in this region have also been reported in individuals affected with autosomal recessive centronuclear myopathy (PMID: 23975875). In summary, the currently available evidence indicates that the variant is pathogenic, but additional data are needed to prove that conclusively. Therefore, this variant has been classified as Likely Pathogenic.

Literature cited by the submitters: PubMed 25589632; PubMed 23975875.

NM_001267550.2(TTN):c.86979dup (p.Val28994fs)

Genes: TTN-AS1 (TTN antisense RNA 1; plus strand), TTN (titin; minus strand). Cytogenetic location: 2q31.2.
Variant type: Duplication.
Coding change: c.86979dup on transcript NM_001267550.2 (MANE Select); coding-DNA position 86979, one base duplicated (A; older notation c.86979dupA).
Protein change: p.Val28994fs; shifts the reading frame from valine 28994.
Molecular consequence: frameshift variant.
Genome position (GRCh38, 1-based): chr2:178,558,480, T duplicated on the plus strand (A on the coding strand, the reverse complement: TTN is on the minus strand). VCF-style (leftmost placement, unchanged base first): chr2-178558479-C-CT. GRCh37 (hg19) VCF-style: chr2-179423206-C-CT.
Other names: c.82056dup, p.Val27353fs (NM_001256850.1); c.59784dup, p.Val19929fs (NM_003319.4); c.79275dup, p.Val26426fs (NM_133378.4); c.60159dup, p.Val20054fs (NM_133432.3); c.60360dup, p.Val20121fs (NM_133437.4); short protein forms V19929fs, V20054fs, V20121fs, V26426fs, V27353fs, V28994fs.
Identifiers: ClinVar variation 3757925 (VCV003757925.2).